The following is an entry in ClinVar:

NM_000748.3(CHRNB2):c.1270C>T (p.Leu424Phe)

Gene: CHRNB2 (cholinergic receptor nicotinic beta 2 subunit; plus strand). Cytogenetic location: 1q21.3.
Variant type: single nucleotide variant.
Coding change: c.1270C>T on transcript NM_000748.3 (MANE Select); coding-DNA position 1270, C replaced by T.
Protein change: p.Leu424Phe; replaces leucine 424 with phenylalanine.
Molecular consequence: missense variant.
Genome position (GRCh38, 1-based): chr1:154,572,093, C>T. VCF-style: chr1-154572093-C-T. GRCh37 (hg19) VCF-style: chr1-154544569-C-T.
Other names: short protein forms L424F.
Identifiers: ClinVar variation 1518919 (VCV001518919.8), dbSNP rs2101522745, ClinGen allele CA342631823.

ClinVar aggregate classification (germline): Uncertain significance (1 of 4 stars; one submission).

Conditions:
Familial sleep-related hypermotor epilepsy. Also called: Autosomal Dominant Sleep-Related Hypermotor (Hyperkinetic) Epilepsy. Identifiers: Orphanet 98784, MedGen C3696898, MONDO:0000030.

Submission:

Labcorp Genetics (formerly Invitae), Labcorp
Classification: Uncertain significance. Last evaluated: 2025-01-15. Review status: criteria provided, single submitter. Criteria: Invitae Variant Classification Sherloc (09022015). Collection method: clinical testing. Allele origin: germline.
Comment: This sequence change replaces leucine, which is neutral and non-polar, with phenylalanine, which is neutral and non-polar, at codon 424 of the CHRNB2 protein (p.Leu424Phe). This variant is not present in population databases (gnomAD no frequency). This variant has not been reported in the literature in individuals affected with CHRNB2-related conditions. ClinVar contains an entry for this variant (Variation ID: 1518919). Invitae Evidence Modeling of protein sequence and biophysical properties (such as structural, functional, and spatial information, amino acid conservation, physicochemical variation, residue mobility, and thermodynamic stability) indicates that this missense variant is not expected to disrupt CHRNB2 protein function with a negative predictive value of 80%. In summary, the available evidence is currently insufficient to determine the role of this variant in disease. Therefore, it has been classified as a Variant of Uncertain Significance.